The following is an entry in ClinVar:

ClinVar aggregate classification (germline): Uncertain significance. Review status: criteria provided, multiple submitters, no conflicts (2 of 4 stars). 3 submissions from 3 submitters: Uncertain significance (3). Last evaluated 2025-02-06.

Conditions:
Noonan syndrome (NS). Also called: Noonan's syndrome. Identifiers: Orphanet 648, MedGen C0028326, MeSH D009634, MONDO:0018997. Disease mechanism: gain of function.

Allele frequency attached by ClinVar (database versions not stated): gnomAD 0.00001; gnomAD exomes 0.00001; TOPMed 0.00003.
gnomAD v4.1: 11 of 1,612,342 alleles (0.00068%); highest among the groups gnomAD compares: South Asian, 0.0055%; no homozygotes.

Submissions (3):

Labcorp Genetics (formerly Invitae), Labcorp
Classification: Uncertain significance for Noonan syndrome. Last evaluated: 2025-02-06. Review status: criteria provided, single submitter. Criteria: Invitae Variant Classification Sherloc (09022015). Collection method: clinical testing. Allele origin: germline.
Comment: This sequence change replaces arginine, which is basic and polar, with histidine, which is basic and polar, at codon 150 of the RRAS protein (p.Arg150His). This variant is present in population databases (no rsID available, gnomAD 0.003%). This variant has not been reported in the literature in individuals affected with RRAS-related conditions. ClinVar contains an entry for this variant (Variation ID: 2361108). An algorithm developed to predict the effect of missense changes on protein structure and function (PolyPhen-2) suggests that this variant is likely to be disruptive. In summary, the available evidence is currently insufficient to determine the role of this variant in disease. Therefore, it has been classified as a Variant of Uncertain Significance.

Ambry Genetics
Classification: Uncertain significance. Last evaluated: 2025-01-27. Review status: criteria provided, single submitter. Criteria: Ambry Variant Classification Scheme 2023. Collection method: clinical testing. Allele origin: germline.

Blueprint Genetics
Classification: Uncertain significance. Last evaluated: 2024-03-20. Review status: criteria provided, single submitter. Criteria: ACMG Guidelines, 2015. Collection method: clinical testing. Allele origin: germline.

NM_006270.5(RRAS):c.449G>A (p.Arg150His)

Gene: RRAS (RAS related; minus strand). Cytogenetic location: 19q13.33.
Variant type: single nucleotide variant.
Coding change: c.449G>A on transcript NM_006270.5 (MANE Select); coding-DNA position 449, G replaced by A.
Protein change: p.Arg150His; replaces arginine 150 with histidine.
Molecular consequence: missense variant.
Genome position (GRCh38, 1-based): chr19:49,636,623, C>T on the plus strand (G>A on the coding strand, the complement: RRAS is on the minus strand). VCF-style: chr19-49636623-C-T. GRCh37 (hg19) VCF-style: chr19-50139880-C-T.
Other names: short protein forms R150H.
Identifiers: ClinVar variation 2361108 (VCV002361108.5), dbSNP rs1017555483, ClinGen allele CA309505659.